The following is an entry in ClinVar:

ClinVar aggregate classification (germline): Uncertain significance (1 of 4 stars; one submission).

Conditions:
Emery-Dreifuss muscular dystrophy 4, autosomal dominant (EDMD4). Also called: EMERY-DREIFUSS MUSCULAR DYSTROPHY 4 WITH VARIABLE FEATURES. Identifiers: Orphanet 261, MedGen C2751807, MONDO:0013071, OMIM 612998.
Autosomal recessive ataxia, Beauce type. Also called: SYNE1-Related Autosomal Recessive Cerebellar Ataxia; Spinocerebellar ataxia, autosomal recessive 8; ATAXIA, RECESSIVE, OF BEAUCE; SYNE1 Deficiency. Identifiers: Orphanet 88644, MedGen C1853116, MONDO:0012549, OMIM 610743.

Submission:

Labcorp Genetics (formerly Invitae), Labcorp
Classification: Uncertain significance for Emery-Dreifuss muscular dystrophy 4, autosomal dominant; Autosomal recessive ataxia, Beauce type. Last evaluated: 2021-07-14. Review status: criteria provided, single submitter. Criteria: Invitae Variant Classification Sherloc (09022015). Collection method: clinical testing. Allele origin: germline.
Comment: This variant is not present in population databases (ExAC no frequency). This sequence change replaces asparagine with serine at codon 871 of the SYNE1 protein (p.Asn871Ser). The asparagine residue is moderately conserved and there is a small physicochemical difference between asparagine and serine. In summary, the available evidence is currently insufficient to determine the role of this variant in disease. Therefore, it has been classified as a Variant of Uncertain Significance. Algorithms developed to predict the effect of missense changes on protein structure and function output the following: SIFT: "Tolerated"; PolyPhen-2: "Benign"; Align-GVGD: "Class C0". The serine amino acid residue is found in multiple mammalian species, which suggests that this missense change does not adversely affect protein function. This variant has not been reported in the literature in individuals affected with SYNE1-related conditions.

NM_182961.4(SYNE1):c.2591A>G (p.Asn864Ser)

Gene: SYNE1 (spectrin repeat containing nuclear envelope protein 1; minus strand). Cytogenetic location: 6q25.2.
Variant type: single nucleotide variant.
Coding change: c.2591A>G on transcript NM_182961.4 (MANE Select); coding-DNA position 2591, A replaced by G.
Protein change: p.Asn864Ser; replaces asparagine 864 with serine.
Molecular consequence: missense variant.
Genome position (GRCh38, 1-based): chr6:152,456,022, T>C on the plus strand (A>G on the coding strand, the complement: SYNE1 is on the minus strand). VCF-style: chr6-152456022-T-C. GRCh37 (hg19) VCF-style: chr6-152777157-T-C.
Other names: c.2612A>G, p.Asn871Ser (NM_033071.5); short protein forms N864S, N871S.
Identifiers: ClinVar variation 1390251 (VCV001390251.8), dbSNP rs13210845, ClinGen allele CA150201477.